The following is an entry in ClinVar:

ClinVar aggregate classification (germline): Uncertain significance (1 of 4 stars; one submission).

Conditions:
Dyskeratosis congenita, autosomal dominant 6 (DKCA6). Identifiers: Orphanet 3322, MedGen C4225284, MONDO:0014690, OMIM 616553.

Submission:

Labcorp Genetics (formerly Invitae), Labcorp
Classification: Uncertain significance for Dyskeratosis congenita, autosomal dominant 6. Last evaluated: 2022-12-04. Review status: criteria provided, single submitter. Criteria: Invitae Variant Classification Sherloc (09022015). Collection method: clinical testing. Allele origin: germline.
Comment: In summary, the available evidence is currently insufficient to determine the role of this variant in disease. Therefore, it has been classified as a Variant of Uncertain Significance. This variant has not been reported in the literature in individuals affected with ACD-related conditions. This variant is not present in population databases (gnomAD no frequency). This sequence change creates a premature translational stop signal (p.Leu252Thrfs*7) in the ACD gene. It is expected to result in an absent or disrupted protein product. However, the current clinical and genetic evidence is not sufficient to establish whether loss-of-function variants in ACD cause disease.

NM_001082486.2(ACD):c.496_500del (p.Leu166fs)

Gene: ACD (ACD shelterin complex subunit and telomerase recruitment factor; minus strand). Cytogenetic location: 16q22.1.
Variant type: Deletion.
Coding change: c.496_500del on transcript NM_001082486.2 (MANE Select); coding-DNA positions 496 to 500, 5 bases deleted (CTATC; older notation c.496_500delCTATC).
Protein change: p.Leu166fs; shifts the reading frame from leucine 166.
Molecular consequence: frameshift variant.
Genome position (GRCh38, 1-based): chr16:67,659,073-67,659,077, GATAG deleted on the plus strand (CTATC on the coding strand, the reverse complement: ACD is on the minus strand); deleting any 5 consecutive bases within chr16:67,659,073-67,659,078 gives the same sequence; the c. name uses the placement nearest the transcript's 3' end. VCF-style (leftmost placement, unchanged base first): chr16-67659072-TGATAG-T. GRCh37 (hg19) VCF-style: chr16-67692975-TGATAG-T.
Other names: c.496_500del, p.Leu166fs (NM_001410884.1); c.487_491del, p.Leu163fs (NM_022914.3); short protein forms L163fs, L166fs.
Identifiers: ClinVar variation 2818439 (VCV002818439.3), dbSNP rs2543604091, ClinGen allele CA2739266843.